The following is an entry in ClinVar:

ClinVar aggregate classification (germline): Uncertain significance. Review status: criteria provided, single submitter (1 of 4 stars). 2 submissions from 2 submitters: Uncertain significance (1). 1 of the submissions does not count toward it. Last evaluated 2021-08-04.

Conditions:
Autosomal recessive limb-girdle muscular dystrophy type 2E (LGMDR4). Also called: MUSCULAR DYSTROPHY, LIMB-GIRDLE, AUTOSOMAL RECESSIVE 4. Identifiers: Orphanet 119, MedGen C1858593, MONDO:0011423, OMIM 604286. Disease mechanism: Affects gamma-sarcoglycan and also disrupts the integrity of the entire sarcoglycan complex..

Submissions (2):

Labcorp Genetics (formerly Invitae), Labcorp
Classification: Uncertain significance for Autosomal recessive limb-girdle muscular dystrophy type 2E. Last evaluated: 2021-08-04. Review status: criteria provided, single submitter. Criteria: Invitae Variant Classification Sherloc (09022015). Collection method: clinical testing. Allele origin: germline.
Comment: In summary, the available evidence is currently insufficient to determine the role of this variant in disease. Therefore, it has been classified as a Variant of Uncertain Significance. Algorithms developed to predict the effect of missense changes on protein structure and function (SIFT, PolyPhen-2, Align-GVGD) all suggest that this variant is likely to be tolerated, but these predictions have not been confirmed by published functional studies and their clinical significance is uncertain. This variant is not present in population databases (ExAC no frequency). This variant has not been reported in the literature in individuals with SGCB-related disease. This sequence change replaces asparagine with serine at codon 15 of the SGCB protein (p.Asn15Ser). The asparagine residue is highly conserved and there is a small physicochemical difference between asparagine and serine.

Natera, Inc.
Classification: Uncertain significance for Limb-girdle muscular dystrophy type 2E. Last evaluated: 2020-08-20. Review status: no assertion criteria provided. Collection method: clinical testing. Allele origin: germline. Not counted in ClinVar's aggregate classification.

NM_000232.5(SGCB):c.44A>G (p.Asn15Ser)

Gene: SGCB (sarcoglycan beta; minus strand). Cytogenetic location: 4q12.
Variant type: single nucleotide variant.
Coding change: c.44A>G on transcript NM_000232.5 (MANE Select); coding-DNA position 44, A replaced by G.
Protein change: p.Asn15Ser; replaces asparagine 15 with serine.
Molecular consequence: missense variant.
Genome position (GRCh38, 1-based): chr4:52,033,630, T>C on the plus strand (A>G on the coding strand, the complement: SGCB is on the minus strand). VCF-style: chr4-52033630-T-C. GRCh37 (hg19) VCF-style: chr4-52899796-T-C.
Other names: short protein forms N15S.
Identifiers: ClinVar variation 567250 (VCV000567250.12), dbSNP rs1560568898, ClinGen allele CA356878210.